The following is an entry in ClinVar:

NM_002474.3(MYH11):c.120G>A (p.Ser40=)

Gene: MYH11 (myosin heavy chain 11; minus strand). Cytogenetic location: 16p13.11.
Variant type: single nucleotide variant.
Coding change: c.120G>A on transcript NM_002474.3 (MANE Select); coding-DNA position 120, G replaced by A.
Protein change: p.Ser40=; no amino-acid change (serine 40 retained).
Molecular consequence: synonymous variant.
Genome position (GRCh38, 1-based): chr16:15,838,133, C>T on the plus strand (G>A on the coding strand, the complement: MYH11 is on the minus strand). VCF-style: chr16-15838133-C-T. GRCh37 (hg19) VCF-style: chr16-15931990-C-T.
Other names: c.120G>A, p.Ser40= (NM_001040113.2, NM_001040114.2, NM_022844.3).
Identifiers: ClinVar variation 465705 (VCV000465705.25), dbSNP rs144275008, ClinGen allele CA7923115.
Genomic context (GRCh38, chr16:15,838,133, plus strand): 5'-CACAACCACCTCATCCCCCTTCTCCTCCTTAATGCTGGCTGCCTCGAAGCCCTGCTTCTC[C>T]GAGGGGACCCAGACGAGTCTCTTGGCGGCCCAGTCAGCCTGGGCCACTGGGCTGTTGATG-3'
Protein context (NP_002465.1, residues 30-50): WAAKRLVWVP[Ser40=]EKQGFEAASI

ClinVar aggregate classification (germline): Benign/Likely benign. Review status: criteria provided, multiple submitters, no conflicts (2 of 4 stars). 9 submissions from 9 submitters: Benign (1); Likely benign (8). Last evaluated 2025-12-13.

Conditions:
MYH11-related disorder. Also called: MYH11-related condition.
Familial thoracic aortic aneurysm and aortic dissection (TAAD). Also called: Thoracic aortic aneurysms and dissections. Identifiers: Orphanet 91387, MedGen C4707243, MONDO:0019625.
Aortic aneurysm, familial thoracic 4 (AAT4). Also called: AORTIC ANEURYSM/AORTIC DISSECTION AND PATENT DUCTUS ARTERIOSUS. Identifiers: MedGen C1851504, MONDO:0007568, OMIM 132900.

Allele frequency attached by ClinVar (database versions not stated): ExAC 0.00007; gnomAD exomes 0.00011; gnomAD 0.00024; TOPMed 0.00029; ESP Exome Variant Server 0.00031.
gnomAD v4.1: 202 of 1,613,970 alleles (0.013%); highest among the groups gnomAD compares: African/African-American, 0.075%; 1 homozygote.

Submissions (9):

Labcorp Genetics (formerly Invitae), Labcorp
Classification: Likely benign for Aortic aneurysm, familial thoracic 4. Last evaluated: 2025-12-13. Review status: criteria provided, single submitter. Criteria: Invitae Variant Classification Sherloc (09022015). Collection method: clinical testing. Allele origin: germline.

CeGaT Center for Human Genetics Tuebingen
Classification: Likely benign. Last evaluated: 2025-12-01. Review status: criteria provided, single submitter. Criteria: CeGaT Center For Human Genetics Tuebingen Variant Classification Criteria Version 2. Collection method: clinical testing. Allele origin: germline. Affected: yes. Observed: 1 variant allele.
Comment: MYH11: BP4, BP7

PreventionGenetics, part of Exact Sciences
Classification: Likely benign for MYH11-related condition. Last evaluated: 2024-11-23. Review status: criteria provided, single submitter. Criteria: ACMG Guidelines, 2015. Collection method: clinical testing. Allele origin: germline.
Comment: This variant is classified as likely benign based on ACMG/AMP sequence variant interpretation guidelines (Richards et al. 2015 PMID: 25741868, with internal and published modifications).

All of Us Research Program, National Institutes of Health
Classification: Likely benign for Familial thoracic aortic aneurysm and aortic dissection. Last evaluated: 2024-02-05. Review status: criteria provided, single submitter. Criteria: ACMG Guidelines, 2015. Collection method: clinical testing. Allele origin: germline. Inheritance: Autosomal dominant inheritance. Observed: 29 variant alleles, 29 heterozygotes.
Comment: This study involves interpretation of variants in research participants for the purpose of population health screening. Participant phenotype was not available at the time of variant classification. Additional details can be found in publication PMID: 35346344, PMCID: PMC8962531

Women's Health and Genetics/Laboratory Corporation of America, LabCorp
Classification: Benign. Last evaluated: 2023-07-21. Review status: criteria provided, single submitter. Criteria: LabCorp Variant Classification Summary - May 2015. Collection method: clinical testing. Allele origin: germline.

Blueprint Genetics
Classification: Likely benign. Last evaluated: 2022-12-07. Review status: criteria provided, single submitter. Criteria: ACMG Guidelines, 2015. Collection method: clinical testing. Allele origin: germline.

GeneDx
Classification: Likely benign. Last evaluated: 2020-09-24. Review status: criteria provided, single submitter. Criteria: GeneDx Variant Classification Process June 2021. Collection method: clinical testing. Allele origin: germline. Affected: yes.

Color Diagnostics, LLC DBA Color Health
Classification: Likely benign for Familial thoracic aortic aneurysm and aortic dissection. Last evaluated: 2018-12-10. Review status: criteria provided, single submitter. Criteria: ACMG Guidelines, 2015. Collection method: clinical testing. Allele origin: germline.

Ambry Genetics
Classification: Likely benign for Familial thoracic aortic aneurysm and aortic dissection. Last evaluated: 2018-07-04. Review status: criteria provided, single submitter. Criteria: Ambry Variant Classification Scheme 2023. Collection method: clinical testing. Allele origin: germline.